The following is an entry in ClinVar:

ClinVar aggregate classification (germline): Uncertain significance (1 of 4 stars; one submission).

Submission:

Labcorp Genetics (formerly Invitae), Labcorp
Classification: Uncertain significance. Last evaluated: 2022-02-05. Review status: criteria provided, single submitter. Criteria: Invitae Variant Classification Sherloc (09022015). Collection method: clinical testing. Allele origin: germline.
Comment: This variant is not present in population databases (gnomAD no frequency). In summary, the available evidence is currently insufficient to determine the role of this variant in disease. Therefore, it has been classified as a Variant of Uncertain Significance. This variant has not been reported in the literature in individuals affected with IFT57-related conditions. This sequence change creates a premature translational stop signal (p.Leu230Glyfs*25) in the IFT57 gene. It is expected to result in an absent or disrupted protein product. However, the current clinical and genetic evidence is not sufficient to establish whether loss-of-function variants in IFT57 cause disease.

NM_018010.4(IFT57):c.688_689del (p.Leu230fs)

Gene: IFT57 (intraflagellar transport 57; minus strand). Cytogenetic location: 3q13.12.
Variant type: Deletion.
Coding change: c.688_689del on transcript NM_018010.4 (MANE Select); coding-DNA positions 688 to 689, 2 bases deleted (TT; older notation c.688_689delTT).
Protein change: p.Leu230fs; shifts the reading frame from leucine 230.
Molecular consequence: frameshift variant.
Genome position (GRCh38, 1-based): chr3:108,191,609-108,191,610, AA deleted on the plus strand (TT on the coding strand, the reverse complement: IFT57 is on the minus strand); deleting any 2 consecutive bases within chr3:108,191,609-108,191,612 gives the same sequence; the c. name uses the placement nearest the transcript's 3' end. VCF-style (leftmost placement, unchanged base first): chr3-108191608-CAA-C. GRCh37 (hg19) VCF-style: chr3-107910455-CAA-C.
Other names: short protein forms L230fs.
Identifiers: ClinVar variation 1505159 (VCV001505159.6), dbSNP rs2108317712, ClinGen allele CA2573136381.
Genomic context (GRCh38, chr3:108,191,608, plus strand): 5'-CAGTTGCGGTAGTACACGTTCCACTTCTAGGCTCCATTCTGCAGCATCTGTTGTGGATTC[CAA>C]AATATCTTCTTGTTTGGCAGTCTCGTTCATATCCTAAGAAAGGAAAGATATCACAAGATT-3'